The following is an entry in ClinVar:

NM_002539.3(ODC1):c.393G>A (p.Met131Ile)

Gene: ODC1 (ornithine decarboxylase 1; minus strand). Cytogenetic location: 2p25.1.
Variant type: single nucleotide variant.
Coding change: c.393G>A on transcript NM_002539.3 (MANE Select); coding-DNA position 393, G replaced by A.
Protein change: p.Met131Ile; replaces methionine 131 with isoleucine.
Molecular consequence: missense variant.
Genome position (GRCh38, 1-based): chr2:10,444,151, C>T on the plus strand (G>A on the coding strand, the complement: ODC1 is on the minus strand). VCF-style: chr2-10444151-C-T. GRCh37 (hg19) VCF-style: chr2-10584277-C-T.
Other names: c.393G>A, p.Met131Ile (NM_001287189.2, NM_001287190.2); c.6G>A, p.Met2Ile (NM_001287188.2); short protein forms M131I, M2I.
Identifiers: ClinVar variation 4882047 (VCV004882047.2).
Genomic context (GRCh38, chr2:10,444,151, plus strand): 5'-TCACTTTGCTTTGGGATGTGCTCTGGCAACTTTCATCAACTCAACTTCACTATCAAAAGT[C>T]ATCATCTGGACTCCATTATTAGCAGCATACTTAATTTGAGATACTTGTTTACAAGGATTT-3'
Protein context (NP_002530.1, residues 121-141): KYAANNGVQM[Met131Ile]TFDSEVELMK

ClinVar aggregate classification (germline): Uncertain significance (1 of 4 stars; one submission).

Conditions:
Neurodevelopmental disorder with alopecia and brain abnormalities. Also called: Bachmann-Bupp syndrome; Global developmental delay-alopecia-macrocephaly-facial dysmorphism-structural brain anomalies syndrome. Identifiers: Orphanet 544488, MedGen C5436741, MONDO:0033642, OMIM 619075.

Submission:

Dasa
Classification: Uncertain significance for Neurodevelopmental disorder with alopecia and brain abnormalities. Last evaluated: 2025-10-18. Review status: criteria provided, single submitter. Criteria: DASA Assertion Criteria. Collection method: clinical testing. Allele origin: germline.
Comment: NM_002539.3(ODC1):c.393G>A (p.Met131Ile) is a missense variant that results in the substitution of methionine with isoleucine. This variant is absent from population databases. The currently available literature and clinical evidence are not sufficient to establish a definitive association between this variant and the reported condition. Therefore, this variant is classified as a variant of uncertain significance.